The following is an entry in ClinVar:

NM_000059.4(BRCA2):c.1924T>A (p.Ser642Thr)

Gene: BRCA2 (BRCA2 DNA repair associated; plus strand). Cytogenetic location: 13q13.1.
Variant type: single nucleotide variant.
Coding change: c.1924T>A on transcript NM_000059.4 (MANE Select); coding-DNA position 1924, T replaced by A.
Protein change: p.Ser642Thr; replaces serine 642 with threonine.
Molecular consequence: missense variant.
Genome position (GRCh38, 1-based): chr13:32,336,279, T>A. VCF-style: chr13-32336279-T-A. GRCh37 (hg19) VCF-style: chr13-32910416-T-A.
Other names: short protein forms S642T.
Identifiers: ClinVar variation 1429625 (VCV001429625.11), dbSNP rs2137481857, ClinGen allele CA387768265.

ClinVar aggregate classification (germline): Conflicting classifications of pathogenicity. Review status: criteria provided, conflicting classifications (1 of 4 stars). 3 submissions from 3 submitters: Uncertain significance (2); Likely benign (1). Last evaluated 2023-03-23.

Conditions:
Hereditary cancer-predisposing syndrome. Also called: Hereditary Cancer Syndrome; Hereditary neoplastic syndrome; Neoplastic Syndromes, Hereditary; Tumor predisposition. Identifiers: Orphanet 140162, MedGen C0027672, MeSH D009386, MONDO:0015356.
Hereditary breast ovarian cancer syndrome. Also called: Hereditary breast and ovarian cancer syndrome (HBOC); Breast and ovarian cancer; BRCA1- and BRCA2-Associated Hereditary Breast and Ovarian Cancer; Hereditary breast and/or ovarian cancer syndrome; Hereditary breast and ovarian cancer; Hereditary breast and ovarian cancer syndrome. Identifiers: Orphanet 145, MedGen C0677776, MeSH D061325, MONDO:0003582. Disease mechanism: loss of function.

Submissions (3):

University of Washington Department of Laboratory Medicine, University of Washington
Classification: Likely benign for Hereditary cancer-predisposing syndrome. Last evaluated: 2023-03-23. Review status: criteria provided, single submitter. Criteria: Dines et al. (Genet Med. 2020). Collection method: curation. Allele origin: germline.
Comment: Missense variant in a coldspot region where missense variants are very unlikely to be pathogenic (PMID:31911673).

BRCA2 exon 11 coldspot. Reclassification based on statistical prior probability.

Ambry Genetics
Classification: Uncertain significance for Hereditary cancer-predisposing syndrome. Last evaluated: 2021-07-19. Review status: criteria provided, single submitter. Criteria: Ambry Variant Classification Scheme 2023. Collection method: clinical testing. Allele origin: germline.
Comment: The p.S642T variant (also known as c.1924T>A), located in coding exon 10 of the BRCA2 gene, results from a T to A substitution at nucleotide position 1924. The serine at codon 642 is replaced by threonine, an amino acid with similar properties. This amino acid position is well conserved in available vertebrate species. In addition, this alteration is predicted to be tolerated by in silico analysis. Since supporting evidence is limited at this time, the clinical significance of this alteration remains unclear.

Labcorp Genetics (formerly Invitae), Labcorp
Classification: Uncertain significance for Hereditary breast ovarian cancer syndrome. Last evaluated: 2020-12-14. Review status: criteria provided, single submitter. Criteria: Invitae Variant Classification Sherloc (09022015). Collection method: clinical testing. Allele origin: germline.
Comment: This sequence change replaces serine with threonine at codon 642 of the BRCA2 protein (p.Ser642Thr). The serine residue is moderately conserved and there is a small physicochemical difference between serine and threonine. This variant is not present in population databases (ExAC no frequency). This variant has not been reported in the literature in individuals with BRCA2-related conditions. Advanced modeling of protein sequence and biophysical properties (such as structural, functional, and spatial information, amino acid conservation, physicochemical variation, residue mobility, and thermodynamic stability) performed at Invitae indicates that this missense variant is not expected to disrupt BRCA2 protein function. In summary, the available evidence is currently insufficient to determine the role of this variant in disease. Therefore, it has been classified as a Variant of Uncertain Significance.